The following is an entry in ClinVar:

NM_015122.3(FCHO1):c.1930A>G (p.Ser644Gly)

Gene: FCHO1 (FCH and mu domain containing endocytic adaptor 1; plus strand). Cytogenetic location: 19p13.11.
Variant type: single nucleotide variant.
Coding change: c.1930A>G on transcript NM_015122.3 (MANE Select); coding-DNA position 1930, A replaced by G.
Protein change: p.Ser644Gly; replaces serine 644 with glycine.
Molecular consequence: missense variant. On other transcripts: non-coding transcript variant (36).
Genome position (GRCh38, 1-based): chr19:17,781,813, A>G. VCF-style: chr19-17781813-A-G. GRCh37 (hg19) VCF-style: chr19-17892622-A-G.
Other names: c.1930A>G (NM_001161357.1); c.1930A>G, p.Ser644Gly (NM_001161357.2, NM_001161358.2, NM_001384370.1 and 13 more transcripts); c.1780A>G, p.Ser594Gly (NM_001161359.2, NM_001384384.1, NM_001384385.1 and 1 more transcripts); c.1891A>G, p.Ser631Gly (NM_001384388.1, NM_001384389.1, NM_001384405.1); c.1855A>G, p.Ser619Gly (NM_001384390.1); c.1813A>G, p.Ser605Gly (NM_001384392.1, NM_001384393.1, NM_001384394.1 and 1 more transcripts); c.1654A>G, p.Ser552Gly (NM_001384396.1, NM_001384397.1, NM_001384398.1 and 5 more transcripts); c.1360A>G, p.Ser454Gly (NM_001384407.1); and 2 more; short protein forms S594G, S631G, S644G, S552G, S605G, S619G, S454G, S502G.
Identifiers: ClinVar variation 1367411 (VCV001367411.9), dbSNP rs2147326068, ClinGen allele CA404755162.

ClinVar aggregate classification (germline): Uncertain significance. Review status: criteria provided, multiple submitters, no conflicts (2 of 4 stars). 2 submissions from 2 submitters: Uncertain significance (2). Last evaluated 2025-05-14.

Submissions (2):

Ambry Genetics
Classification: Uncertain significance. Last evaluated: 2025-05-14. Review status: criteria provided, single submitter. Criteria: Ambry Variant Classification Scheme 2023. Collection method: clinical testing. Allele origin: germline.

Labcorp Genetics (formerly Invitae), Labcorp
Classification: Uncertain significance. Last evaluated: 2025-02-10. Review status: criteria provided, single submitter. Criteria: Invitae Variant Classification Sherloc (09022015). Collection method: clinical testing. Allele origin: germline.
Comment: This sequence change replaces serine, which is neutral and polar, with glycine, which is neutral and non-polar, at codon 644 of the FCHO1 protein (p.Ser644Gly). This variant is not present in population databases (gnomAD no frequency). This variant has not been reported in the literature in individuals affected with FCHO1-related conditions. ClinVar contains an entry for this variant (Variation ID: 1367411). An algorithm developed to predict the effect of missense changes on protein structure and function (PolyPhen-2) suggests that this variant is likely to be tolerated. In summary, the available evidence is currently insufficient to determine the role of this variant in disease. Therefore, it has been classified as a Variant of Uncertain Significance.